The following is an entry in ClinVar:

NC_000007.13:g.(?_116165117)_(116199341_?)dup

Gene: CAV1 (caveolin 1; plus strand). Cytogenetic location: 7q31.2.
Variant type: Duplication.
Identifiers: ClinVar variation 3245815 (VCV003245815.1).

ClinVar aggregate classification (germline): Uncertain significance (1 of 4 stars; one submission).

Conditions:
Pulmonary hypertension, primary, 3. Identifiers: Orphanet 422, MedGen C3809192, MONDO:0014135, OMIM 615343.

Submission:

Labcorp Genetics (formerly Invitae), Labcorp
Classification: Uncertain significance for Pulmonary hypertension, primary, 3. Last evaluated: 2023-11-27. Review status: criteria provided, single submitter. Criteria: Invitae Variant Classification Sherloc (09022015). Collection method: clinical testing. Allele origin: unknown.
Comment: A copy number gain of the genomic region encompassing the full coding sequence of the CAV1 gene has been identified. The boundaries of this event are unknown as they extend beyond the assayed region for this gene and therefore may encompass additional genes. As the precise location of this event is unknown, it may be in tandem or it may be located elsewhere in the genome. This variant has not been reported in the literature in individuals affected with CAV1-related conditions. In summary, the available evidence is currently insufficient to determine the role of this variant in disease. Therefore, it has been classified as a Variant of Uncertain Significance.